The following is an entry in ClinVar:

NM_014780.5(CUL7):c.2132dup (p.Cys711fs)

Gene: CUL7 (cullin 7; minus strand). Cytogenetic location: 6p21.1.
Variant type: Duplication.
Coding change: c.2132dup on transcript NM_014780.5 (MANE Select); coding-DNA position 2132, one base duplicated (G; older notation c.2132dupG).
Protein change: p.Cys711fs; shifts the reading frame from cysteine 711.
Molecular consequence: frameshift variant.
Genome position (GRCh38, 1-based): chr6:43,048,185, C duplicated on the plus strand (G on the coding strand, the reverse complement: CUL7 is on the minus strand). VCF-style (leftmost placement, unchanged base first): chr6-43048184-G-GC. GRCh37 (hg19) VCF-style: chr6-43015922-G-GC.
Other names: c.2228dup, p.Cys743fs (NM_001168370.2, NM_001374872.1); c.2132dup, p.Cys711fs (NM_001374873.1, NM_001374874.1); c.2132dupG (NM_014780.5); short protein forms C711fs, C743fs.
Identifiers: ClinVar variation 3366461 (VCV003366461.1), dbSNP rs758737233.

ClinVar aggregate classification (germline): Pathogenic (1 of 4 stars; one submission).

Conditions:
3-M syndrome. Also called: Three M syndrome; 3M SYNDROME; 3-MSBN; Three-M slender-boned nanism. Identifiers: Orphanet 2616, MedGen C1848862, MONDO:0007477.

Submission:

Women's Health and Genetics/Laboratory Corporation of America, LabCorp
Classification: Pathogenic for 3-M syndrome. Last evaluated: 2024-08-06. Review status: criteria provided, single submitter. Criteria: LabCorp Variant Classification Summary - May 2015. Collection method: clinical testing. Allele origin: germline.
Comment: Variant summary: CUL7 c.2132dupG (p.Cys711TrpfsX11) results in a premature termination codon, predicted to cause a truncation of the encoded protein or absence of the protein due to nonsense mediated decay, which are commonly known mechanisms for disease. The variant allele was found at a frequency of 8e-06 in 251004 control chromosomes. To our knowledge, no occurrence of c.2132dupG in individuals affected with Three M Syndrome 1 and no experimental evidence demonstrating its impact on protein function have been reported. Loss of function variants in CUL7 gene are an established mechanism of disease. No submitters have cited clinical-significance assessments for this variant to ClinVar. Based on the evidence outlined above, the variant was classified as pathogenic.